The following is an entry in ClinVar:

ClinVar aggregate classification (germline): Uncertain significance (1 of 4 stars; one submission).

Conditions:
X-linked ichthyosis with steryl-sulfatase deficiency (XLI). Also called: PLACENTAL STEROID SULFATASE DEFICIENCY; STEROID SULFATASE DEFICIENCY; STEROID SULFATASE DEFICIENCY DISEASE; STS DEFICIENCY; Recessive X-linked ichthyosis; Ichthyosis, X-Linked. Identifiers: Orphanet 461, MedGen C0079588, MONDO:0010622, OMIM 308100.

Submission:

Juno Genomics, Hangzhou Juno Genomics, Inc
Classification: Uncertain significance for X-linked ichthyosis with steryl-sulfatase deficiency. Review status: criteria provided, single submitter. Criteria: ACMG Guidelines, 2015. Collection method: clinical testing. Allele origin: germline.
Comment: Absent from controls (or at extremely low frequency if recessive) in Genome Aggregation Database.;Multiple lines of computational evidence support a deleterious effect on the gene or gene product.

NM_001320752.2(STS):c.1258G>C (p.Asp420His)

Gene: STS (steroid sulfatase; plus strand). Cytogenetic location: Xp22.31.
Variant type: single nucleotide variant.
Coding change: c.1258G>C on transcript NM_001320752.2 (MANE Select); coding-DNA position 1258, G replaced by C.
Protein change: p.Asp420His; replaces aspartic acid 420 with histidine.
Molecular consequence: missense variant.
Genome position (GRCh38, 1-based): chrX:7,334,002, G>C. VCF-style: chrX-7334002-G-C. GRCh37 (hg19) VCF-style: chrX-7252043-G-C.
Other names: c.1258G>C, p.Asp420His (NM_001320753.2, NM_001320754.2, NM_000351.7); c.1294G>C, p.Asp432His (NM_001320750.3, NM_001320751.2); short protein forms D420H, D432H.
Identifiers: ClinVar variation 5007596 (VCV005007596.2).
Genomic context (GRCh38, chrX:7,334,002, plus strand): 5'-ACAGGACTGATTCACGTCTTGATGCCTGGCTGTTTATCCCACAGGATCATTGATGGACGT[G>C]ATCTGATGCCCCTGCTTGAAGGAAAAAGCCAACGCTCCGATCATGAGTTTCTCTTCCATT-3'
Protein context (NP_001307681.2, residues 410-430): LPEDRIIDGR[Asp420His]LMPLLEGKSQ